The following is an entry in ClinVar:

NM_001365480.1(CCDC88A):c.2734G>T (p.Val912Leu)

Gene: CCDC88A (coiled-coil domain containing 88A; minus strand). Cytogenetic location: 2p16.1.
Variant type: single nucleotide variant.
Coding change: c.2734G>T on transcript NM_001365480.1 (MANE Select); coding-DNA position 2734, G replaced by T.
Protein change: p.Val912Leu; replaces valine 912 with leucine.
Molecular consequence: missense variant.
Genome position (GRCh38, 1-based): chr2:55,332,687, C>A on the plus strand (G>T on the coding strand, the complement: CCDC88A is on the minus strand). VCF-style: chr2-55332687-C-A. GRCh37 (hg19) VCF-style: chr2-55559823-C-A.
Other names: c.2734G>T, p.Val912Leu (NM_001135597.2, NM_001254943.2, NM_018084.5); c.2734G>T (NM_001135597.1); short protein forms V912L.
Identifiers: ClinVar variation 1401680 (VCV001401680.4), dbSNP rs764414631, ClinGen allele CA1665930.
Genomic context (GRCh38, chr2:55,332,687, plus strand): 5'-GCTCATGAGTTAATTTTTCGAGATCATTGTTCATCTGTTGGGTCTTCAACTTTTCACTCA[C>A]CAAATCCTTATTTTAAAAGAAATGCAAAACTCACCTAAGTGTCAAGGGTATAAACATCTA-3'
Protein context (NP_001352409.1, residues 902-922): KTLVTLREDL[Val912Leu]SEKLKTQQMN

ClinVar aggregate classification (germline): Uncertain significance. Review status: criteria provided, multiple submitters, no conflicts (2 of 4 stars). 2 submissions from 2 submitters: Uncertain significance (2). Last evaluated 2022-11-08.

Allele frequency attached by ClinVar (database versions not stated): gnomAD exomes below 0.00001 and 0.00001; ExAC 0.00001; TOPMed 0.00001; gnomAD 0.00003.
gnomAD v4.1: 10 of 1,612,374 alleles (0.00062%); highest among the groups gnomAD compares: Non-Finnish European, 0.00085%; no homozygotes.

Submissions (2):

Ambry Genetics
Classification: Uncertain significance. Last evaluated: 2022-11-08. Review status: criteria provided, single submitter. Criteria: Ambry Variant Classification Scheme 2023. Collection method: clinical testing. Allele origin: germline.

Labcorp Genetics (formerly Invitae), Labcorp
Classification: Uncertain significance. Last evaluated: 2022-08-20. Review status: criteria provided, single submitter. Criteria: Invitae Variant Classification Sherloc (09022015). Collection method: clinical testing. Allele origin: germline.
Comment: This sequence change replaces valine, which is neutral and non-polar, with leucine, which is neutral and non-polar, at codon 912 of the CCDC88A protein (p.Val912Leu). This variant is present in population databases (rs764414631, gnomAD 0.003%). This variant has not been reported in the literature in individuals affected with CCDC88A-related conditions. ClinVar contains an entry for this variant (Variation ID: 1401680). Algorithms developed to predict the effect of missense changes on protein structure and function (SIFT, PolyPhen-2, Align-GVGD) all suggest that this variant is likely to be tolerated. In summary, the available evidence is currently insufficient to determine the role of this variant in disease. Therefore, it has been classified as a Variant of Uncertain Significance.